The following is an entry in ClinVar:

NM_005228.5(EGFR):c.1317A>G (p.Ala439=)

Gene: EGFR (epidermal growth factor receptor; plus strand). Cytogenetic location: 7p11.2.
Variant type: single nucleotide variant.
Coding change: c.1317A>G on transcript NM_005228.5 (MANE Select); coding-DNA position 1317, A replaced by G.
Protein change: p.Ala439=; no amino-acid change (alanine 439 retained).
Molecular consequence: synonymous variant.
Genome position (GRCh38, 1-based): chr7:55,160,157, A>G. VCF-style: chr7-55160157-A-G. GRCh37 (hg19) VCF-style: chr7-55227850-A-G.
Other names: p.Ala439=; c.1182A>G, p.Ala394= (NM_001346897.2, NM_001346899.2); c.1317A>G, p.Ala439= (NM_001346898.2, NM_201282.2, NM_201284.2); c.1158A>G, p.Ala386= (NM_001346900.2); c.516A>G, p.Ala172= (NM_001346941.2); c.1317A>G (NM_005228.4).
Identifiers: ClinVar variation 782267 (VCV000782267.15), dbSNP rs17290005, ClinGen allele CA4265558.
Genomic context (GRCh38, chr7:55,160,157, plus strand): 5'-TTATAATTTTTCACCACATGATTTTTCTTCTCTCCAATGTAGTGGTCAGTTTTCTCTTGC[A>G]GTCGTCAGCCTGAACATAACATCCTTGGGATTACGCTCCCTCAAGGAGATAAGTGATGGA-3'
Protein context (NP_005219.2, residues 429-449): RTKQHGQFSL[Ala439=]VVSLNITSLG

ClinVar aggregate classification (germline): Benign/Likely benign. Review status: criteria provided, multiple submitters, no conflicts (2 of 4 stars). 5 submissions from 5 submitters: Benign (2); Likely benign (2). 1 of the submissions does not count toward it. Last evaluated 2026-02-04.

Conditions:
Hereditary cancer-predisposing syndrome. Also called: Tumor predisposition; Hereditary neoplastic syndrome; Hereditary Cancer Syndrome; Neoplastic Syndromes, Hereditary. Identifiers: Orphanet 140162, MedGen C0027672, MeSH D009386, MONDO:0015356.
EGFR-related lung cancer (EGFR). Identifiers: MedGen CN130014.

Allele frequency attached by ClinVar (database versions not stated): gnomAD exomes 0.00084 and 0.00200; ExAC 0.00248; 1000 Genomes Project 0.00759; 1000 Genomes Project 30x 0.00781; gnomAD 0.00827 and 0.00886; TOPMed 0.00950; ESP Exome Variant Server 0.00953.
gnomAD v4.1: 2,546 of 1,614,190 alleles (0.16%); highest among the groups gnomAD compares: African/African-American, 2.9%; 48 homozygotes.

Submissions (5):

Labcorp Genetics (formerly Invitae), Labcorp
Classification: Benign for EGFR-related lung cancer. Last evaluated: 2026-02-04. Review status: criteria provided, single submitter. Criteria: Invitae Variant Classification Sherloc (09022015). Collection method: clinical testing. Allele origin: germline.

Mayo Clinic Laboratories, Mayo Clinic
Classification: Likely benign. Last evaluated: 2025-08-22. Review status: criteria provided, single submitter. Criteria: ACMG Guidelines, 2015. Collection method: clinical testing. Allele origin: germline. Observed: 1 variant allele.
Comment: BS1, BP4, BP7

Ambry Genetics
Classification: Likely benign for Hereditary cancer-predisposing syndrome. Last evaluated: 2024-08-09. Review status: criteria provided, single submitter. Criteria: Ambry Variant Classification Scheme 2023. Collection method: clinical testing. Allele origin: germline.

Breakthrough Genomics
Classification: Benign. Review status: criteria provided, single submitter. Criteria: ACMG Guidelines, 2015. Collection method: not provided. Allele origin: germline. Inheritance: Autosomal recessive inheritance. Affected: yes.

Genetic Services Laboratory, University of Chicago
Classification: Benign. Last evaluated: 2022-05-12. Review status: no assertion criteria provided. Collection method: clinical testing. Allele origin: germline. Affected: no. Not counted in ClinVar's aggregate classification.